The following is an entry in ClinVar:

ClinVar aggregate classification (germline): Uncertain significance (1 of 4 stars; one submission).

Conditions:
RASopathy. Also called: rasopathies; Noonan spectrum disorder. Identifiers: Orphanet 536391, MedGen C5555857, MONDO:0021060.

gnomAD v4.1: 1 of 1,614,150 alleles (0.000062%); highest among the groups gnomAD compares: Non-Finnish European, 0.000085%; no homozygotes.

Submission:

Labcorp Genetics (formerly Invitae), Labcorp
Classification: Uncertain significance for RASopathy. Last evaluated: 2025-10-03. Review status: criteria provided, single submitter. Criteria: Invitae Variant Classification Sherloc (09022015). Collection method: clinical testing. Allele origin: germline.
Comment: This sequence change replaces isoleucine, which is neutral and non-polar, with threonine, which is neutral and polar, at codon 114 of the SHOC2 protein (p.Ile114Thr). This variant is not present in population databases (gnomAD no frequency). This variant has not been reported in the literature in individuals affected with SHOC2-related conditions. Invitae Evidence Modeling of protein sequence and biophysical properties (such as structural, functional, and spatial information, amino acid conservation, physicochemical variation, residue mobility, and thermodynamic stability) indicates that this missense variant is not expected to disrupt SHOC2 protein function with a negative predictive value of 80%. In summary, the available evidence is currently insufficient to determine the role of this variant in disease. Therefore, it has been classified as a Variant of Uncertain Significance.

NM_007373.4(SHOC2):c.341T>C (p.Ile114Thr)

Gene: SHOC2 (SHOC2 leucine rich repeat scaffold protein; plus strand). Cytogenetic location: 10q25.2.
Variant type: single nucleotide variant.
Coding change: c.341T>C on transcript NM_007373.4 (MANE Select); coding-DNA position 341, T replaced by C.
Protein change: p.Ile114Thr; replaces isoleucine 114 with threonine.
Molecular consequence: missense variant. On other transcripts: 5 prime UTR variant (1), non-coding transcript variant (1), intron variant (3).
Genome position (GRCh38, 1-based): chr10:110,964,699, T>C. VCF-style: chr10-110964699-T-C. GRCh37 (hg19) VCF-style: chr10-112724457-T-C.
Other names: c.341T>C, p.Ile114Thr (NM_001269039.3, NM_001324336.2, NM_001324337.2 and 4 more transcripts); c.-446T>C (NM_001441188.1); c.-380-20929T>C (NM_001441190.1); c.-249-20929T>C (NM_001441191.1); c.-242-35716T>C (NM_001441189.1); short protein forms I114T.
Identifiers: ClinVar variation 4744158 (VCV004744158.1).